The following is an entry in ClinVar:

NM_022489.4(INF2):c.866C>T (p.Ala289Val)

Gene: INF2 (inverted formin 2; plus strand). Cytogenetic location: 14q32.33.
Variant type: single nucleotide variant.
Coding change: c.866C>T on transcript NM_022489.4 (MANE Select); coding-DNA position 866, C replaced by T.
Protein change: p.Ala289Val; replaces alanine 289 with valine.
Molecular consequence: missense variant.
Genome position (GRCh38, 1-based): chr14:104,706,932, C>T. VCF-style: chr14-104706932-C-T. GRCh37 (hg19) VCF-style: chr14-105173269-C-T.
Other names: c.866C>T, p.Ala289Val (NM_001426865.1, NM_001031714.4, NM_001426862.1 and 2 more transcripts); short protein forms A289V.
Identifiers: ClinVar variation 2952342 (VCV002952342.3), dbSNP rs2541914989, ClinGen allele CA391215052.
Genomic context (GRCh38, chr14:104,706,932, plus strand): 5'-GCCGGCTGCTGACCTGCACCCCACACTCGCCCGTCCAGGTGAGCTGCTCCCCGGTGTCTG[C>T]CCAGCTCCTGTCGGTGCTGCAGGGCCTCCTGCACCTGGAGCCCACCCTCCGCTCCAGCCA-3'
Protein context (NP_071934.3, residues 279-299): FHKVSCSPVS[Ala289Val]QLLSVLQGLL

ClinVar aggregate classification (germline): Uncertain significance (1 of 4 stars; one submission).

Conditions:
Charcot-Marie-Tooth disease dominant intermediate E. Also called: CHARCOT-MARIE-TOOTH NEUROPATHY WITH FOCAL SEGMENTAL GLOMERULONEPHRITIS. Identifiers: Orphanet 93114, MedGen C4302667, MONDO:0013758, OMIM 614455.
Focal segmental glomerulosclerosis 5 (FSGS5). Identifiers: Orphanet 656, MedGen C2750475, MONDO:0013191, OMIM 613237.

Submission:

Labcorp Genetics (formerly Invitae), Labcorp
Classification: Uncertain significance for Charcot-Marie-Tooth disease dominant intermediate E; Focal segmental glomerulosclerosis 5. Last evaluated: 2023-09-28. Review status: criteria provided, single submitter. Criteria: Invitae Variant Classification Sherloc (09022015). Collection method: clinical testing. Allele origin: germline.
Comment: This sequence change replaces alanine, which is neutral and non-polar, with valine, which is neutral and non-polar, at codon 289 of the INF2 protein (p.Ala289Val). This variant is not present in population databases (gnomAD no frequency). This variant has not been reported in the literature in individuals affected with INF2-related conditions. Advanced modeling of protein sequence and biophysical properties (such as structural, functional, and spatial information, amino acid conservation, physicochemical variation, residue mobility, and thermodynamic stability) performed at Invitae indicates that this missense variant is not expected to disrupt INF2 protein function. In summary, the available evidence is currently insufficient to determine the role of this variant in disease. Therefore, it has been classified as a Variant of Uncertain Significance.